The following is an entry in ClinVar:

NM_000016.6(ACADM):c.467G>A (p.Cys156Tyr)

Gene: ACADM (acyl-CoA dehydrogenase medium chain; plus strand). Cytogenetic location: 1p31.1.
Variant type: single nucleotide variant.
Coding change: c.467G>A on transcript NM_000016.6 (MANE Select); coding-DNA position 467, G replaced by A.
Protein change: p.Cys156Tyr; replaces cysteine 156 with tyrosine.
Molecular consequence: missense variant. On other transcripts: intron variant (1).
Genome position (GRCh38, 1-based): chr1:75,734,870, G>A. VCF-style: chr1-75734870-G-A. GRCh37 (hg19) VCF-style: chr1-76200555-G-A.
Other names: c.479G>A, p.Cys160Tyr (NM_001127328.3); c.359G>A, p.Cys120Tyr (NM_001286042.2); c.566G>A, p.Cys189Tyr (NM_001286043.2); c.-100+1948G>A (NM_001286044.2); short protein forms C120Y, C156Y, C160Y, C189Y.
Identifiers: ClinVar variation 4814735 (VCV004814735.1).

ClinVar aggregate classification (germline): Likely pathogenic (1 of 4 stars; one submission).

Conditions:
Medium-chain acyl-coenzyme A dehydrogenase deficiency (ACADMD). Also called: MCAD Deficiency; CARNITINE DEFICIENCY SECONDARY TO MEDIUM-CHAIN ACYL-CoA DEHYDROGENASE DEFICIENCY; MCADH DEFICIENCY; ACADM DEFICIENCY; MCADD; Medium chain acyl-CoA dehydrogenase deficiency. Identifiers: Orphanet 42, MedGen C0220710, MONDO:0008721, OMIM 201450.

Submission:

Natera, Inc.
Classification: Likely pathogenic for Medium Chain Acyl-CoA Dehydrogenase Deficiency. Last evaluated: 2025-07-10. Review status: criteria provided, single submitter. Criteria: Natera Variant Classification Schema (03/2026). Collection method: clinical testing. Allele origin: germline.
Comment: The c.467G>A variant in ACADM is a missense variant predicted to cause substitution of cysteine to tyrosine at amino acid 156. This variant is rare in the general population with a frequency below the threshold expected for the associated phenotype(s). This variant has been observed in one or more individuals affected with the associated recessive disease, as either homozygous or compound heterozygous with a second variant (PMID: 22542437, 36068006). Computational prediction algorithms indicate this variant is likely to affect gene or protein function. Given the available evidence, this variant is classified as Likely Pathogenic.

Literature cited by the submitters: PubMed 22542437; PubMed 36068006.